The following is an entry in ClinVar:

NM_206933.4(USH2A):c.12145G>A (p.Ala4049Thr)

Gene: USH2A (usherin; minus strand). Cytogenetic location: 1q41.
Variant type: single nucleotide variant.
Coding change: c.12145G>A on transcript NM_206933.4 (MANE Select); coding-DNA position 12145, G replaced by A.
Protein change: p.Ala4049Thr; replaces alanine 4049 with threonine.
Molecular consequence: missense variant.
Genome position (GRCh38, 1-based): chr1:215,680,298, C>T on the plus strand (G>A on the coding strand, the complement: USH2A is on the minus strand). VCF-style: chr1-215680298-C-T. GRCh37 (hg19) VCF-style: chr1-215853640-C-T.
Other names: NM_206933.4(USH2A):c.12145G>A; short protein forms A4049T.
Identifiers: ClinVar variation 229616 (VCV000229616.35), dbSNP rs143696882, ClinGen allele CA1393526.

ClinVar aggregate classification (germline): Uncertain significance. Review status: reviewed by expert panel (3 of 4 stars). 12 submissions from 12 submitters: Uncertain significance (1). 11 of the submissions do not count toward it. Last evaluated 2025-03-12.

Conditions:
Usher syndrome. Also called: Usher Syndromes; Usher's syndrome. Identifiers: Orphanet 886, MedGen CN469326, MeSH D052245, MONDO:0019501. Disease mechanism: loss of function.
USH2A-related disorder. Also called: USH2A-related condition; USH2A-related disorders. Identifiers: MedGen CN239332.
Retinitis pigmentosa 39 (RP39). Identifiers: Orphanet 791, MedGen C3151138, MONDO:0013436, OMIM 613809.
Usher syndrome type 2A. Also called: USHER SYNDROME, TYPE IIA; RETINAL DISEASE IN USHER SYNDROME TYPE IIA, MODIFIER OF. Identifiers: Orphanet 231178, Orphanet 886, MedGen C1848634, MONDO:0010169, OMIM 276901.
Retinitis pigmentosa (RP). Identifiers: Orphanet 791, MedGen C0035334, MeSH D012174, MONDO:0019200, OMIM 268000. Inheritance: Autosomal dominant, autosomal recessive and X linked inheritance.

Allele frequency attached by ClinVar (database versions not stated): gnomAD exomes 0.00006 and 0.00013; ExAC 0.00014; 1000 Genomes Project 30x 0.00016; 1000 Genomes Project 0.00020; gnomAD 0.00057 and 0.00066; TOPMed 0.00062; ESP Exome Variant Server 0.00085.
gnomAD v4.1: 180 of 1,614,124 alleles (0.011%); highest among the groups gnomAD compares: African/African-American, 0.23%; no homozygotes.

Submissions 1 to 5 of 12:

ClinGen Hearing Loss Variant Curation Expert Panel
Classification: Uncertain significance for Usher syndrome type 2A. Last evaluated: 2025-03-12. Review status: reviewed by expert panel. Criteria: Clingen Hl Acmg Specifications Cdh23 Coch Gjb2 Kcnq4 Myo6 Myo7a Slc26a4 Tecta Ush2a V2. Collection method: curation. Allele origin: germline. Inheritance: Autosomal recessive inheritance.
Comment: The NM_206933.2:c.12145G>A variant in the USH2A gene is a missense variant predicted to cause substitution of alanine by threonine at amino acid 4049 (p.Ala4049Thr). The filtering allele frequency (the lower threshold of the 95% CI of 169/75038) of the c.12145G>A variant in USH2A is 0.001974 for African/African American chromosomes by gnomAD v4.1.0, which is higher than the ClinGen Hearing Loss VCEP threshold ([>0.0007]) for BS1_Supporting, and therefore meets this criterion (BS1_Supporting). There is one homozygous observation in gnomAD v2.1.1. The computational predictor REVEL gives a score of 0.31, which is neither above nor below the thresholds predicting a damaging or benign impact on USH2A function. The variant has been reported in one proband with retinitis pigmentosa and a second variant, phase unknown (c.9785G>T, p.Gly3262Val) (PMID: 28041643; PMID: 32581362; PMID: 38219857). The variant was also found to co-occur, phase unknown, with c.2299del, p.Glu767SerfsTer21 in an individual from a cohort of inherited retinal degeneration patients, however case-level phenotypic details were not provided (PMID: 32037395). The variant has also been observed in combination with a variant of uncertain significance, phase unknown, in cases with features of retinitis pigmentosa (Labcorp Genetics (formerly Invitae) internal data, SCV001414478.6). The variant has also been observed in the heterozygous state and in combination with a second variant (phase unknown) among individuals undergoing multigene panel testing for inherited retinal disorders (PreventionGenetics internal data, SCV004112640.1).In summary, this variant has been classified as a variant of uncertain significance for autosomal recessive isolated retinitis pigmentosa and for autosomal recessive Usher syndrome type 2A based on the ACMG/AMP criteria applied, as specified by the ClinGen Hearing Loss VCEP: BS1_Supporting, PM3_Strong (ClinGen Hearing Loss VCEP specifications version 2; 3/12/2025)

Myriad Genetics, Inc.
Classification: Likely pathogenic for USH2A-related disorder. Last evaluated: 2026-09-24. Review status: criteria provided, single submitter. Criteria: Myriad Autosomal Dominant, Autosomal Recessive and X-Linked Classification Criteria (2023). Collection method: clinical testing. Allele origin: unknown. Not counted in ClinVar's aggregate classification.
Comment: NM_206933.2(USH2A):c.12145G>A(A4049T) is a missense variant classified as likely pathogenic in the context of USH2A-related disorders. Please note that A4049T is primarily associated with retinitis pigmentosa. A4049T has been observed in cases with relevant disease (PMID: 37506127, 32037395, 28041643, 32581362, 39858579, 40339601, 40797289). Relevant functional assessments of this variant are not available in the literature. A4049T has been observed in referenced population frequency databases. In summary, NM_206933.2(USH2A):c.12145G>A(A4049T) is a missense variant that has been observed more frequently in cases with the relevant disease than in healthy populations. Please note: this variant was assessed in the context of healthy population screening.

Women's Health and Genetics/Laboratory Corporation of America, LabCorp
Classification: Likely pathogenic for Usher syndrome. Last evaluated: 2026-06-15. Review status: criteria provided, single submitter. Criteria: LabCorp Variant Classification Summary - May 2015. Collection method: clinical testing. Allele origin: germline. Not counted in ClinVar's aggregate classification.
Comment: Variant summary: USH2A c.12145G>A (p.Ala4049Thr) results in a non-conservative amino acid change located in the Fibronectin type III domain (IPR003961) of the encoded protein sequence. Algorithms developed to predict the effect of missense changes on protein structure and function are either unavailable or do not agree on the potential impact of this missense change. The variant allele was found at a frequency of 0.00013 in 251032 control chromosomes in the gnomAD database, including 1 homozygotes. This frequency is not significantly higher than estimated for disease-causing variants in USH2A, allowing no conclusion about variant significance.c.12145G>A has been reported in the literature in individuals affected with clinical features of Retinitis Pigmentosa (Carss_2017, Zampaglione_2020, Stephenson_2025 internal_testing). These data indicate that the variant is likely to be associated with disease. To our knowledge, no experimental evidence demonstrating an impact on protein function has been reported. The following publications have been ascertained in the context of this evaluation (PMID: 28041643, 38219857, 32176120, 40607868, 32581362, 32037395). ClinVar contains an entry for this variant (Variation ID: 229616). Based on the evidence outlined above, the variant was classified as likely pathogenic.

PreventionGenetics, part of Exact Sciences
Classification: Likely pathogenic for USH2A-related condition. Last evaluated: 2026-02-12. Review status: criteria provided, single submitter. Criteria: ACMG Guidelines, 2015. Collection method: clinical testing. Allele origin: germline. Not counted in ClinVar's aggregate classification.
Comment: The USH2A c.12145G>A variant is predicted to result in the amino acid substitution p.Ala4049Thr. This variant has been reported along with a second USH2A variant in individuals with retinal disease (Table S2, Carss et al. 2017. PubMed ID: 28041643; Table S2, Zampaglione et al. 2020. PubMed ID: 32037395; Table S1, Lin et al. 2024. PubMed ID: 38219857) and in a large cohort of individuals with retinal disease (Table S2, Turro et al. 2020. PubMed ID: 32581362). At PreventionGenetics, we have observed this variant along with a pathogenic USH2A variant in multiple individuals being tested for retinal dystrophies (internal data). This variant is reported in 0.17% of alleles in individuals of African descent in gnomAD, indicating it is relatively common in this population. This variant is interpreted as likely pathogenic.

Natera, Inc.
Classification: Likely pathogenic for Usher syndrome type 2A. Last evaluated: 2026-01-29. Review status: criteria provided, single submitter. Criteria: Natera Variant Classification Schema (03/2026). Collection method: clinical testing. Allele origin: germline. Not counted in ClinVar's aggregate classification.
Comment: The c.12145G>A variant in USH2A is a missense variant predicted to cause substitution of alanine to threonine at amino acid 4049. This variant is rare in the general population with a frequency below the threshold expected for the associated phenotype(s). This variant has been observed in at least one unaffected individual, with a zygosity that is consistent with the inheritance pattern for the associated condition (in gnomAD and/or literature). This variant has been observed in one or more individuals affected with the associated recessive disease, as either homozygous or compound heterozygous with a second variant (PMID: 40797289, 40339601, 32037395, 37506127). Computational prediction algorithms indicate this variant is likely to affect gene or protein function. Given the available evidence, this variant is classified as Likely Pathogenic.